The following is an entry in ClinVar:

ClinVar aggregate classification (germline): Conflicting classifications of pathogenicity. Review status: criteria provided, conflicting classifications (1 of 4 stars). 11 submissions from 10 submitters: Uncertain significance (2); Benign (1); Likely benign (6). 2 of the submissions do not count toward it. Last evaluated 2026-07-01.

Conditions:
Fibrochondrogenesis 2 (FBCG2). Identifiers: Orphanet 2021, MedGen C3281128, MONDO:0013795, OMIM 614524.
Otospondylomegaepiphyseal dysplasia, autosomal recessive (OSMEDB). Also called: CHONDRODYSTROPHY WITH SENSORINEURAL DEAFNESS; Insley-Astley syndrome. Identifiers: Orphanet 1427, MedGen CN034493, MONDO:0044206, OMIM 215150.

Allele frequency attached by ClinVar (database versions not stated): TOPMed 0.00061; 1000 Genomes Project 30x 0.00062; ESP Exome Variant Server 0.00077; 1000 Genomes Project 0.00080; gnomAD exomes 0.00091 and 0.00102; ExAC 0.00097; gnomAD 0.00109 and 0.00113.
gnomAD v4.1: 1,650 of 1,613,344 alleles (0.1%); highest among the groups gnomAD compares: Non-Finnish European, 0.12%; 6 homozygotes.

Submissions (11):

CeGaT Center for Human Genetics Tuebingen
Classification: Likely benign. Last evaluated: 2026-07-01. Review status: criteria provided, single submitter. Criteria: CeGaT Center For Human Genetics Tuebingen Variant Classification Criteria Version 2. Collection method: clinical testing. Allele origin: germline. Affected: yes. Observed: 8 variant alleles.
Comment: COL11A2: BP4, BP7

Labcorp Genetics (formerly Invitae), Labcorp
Classification: Benign. Last evaluated: 2026-02-02. Review status: criteria provided, single submitter. Criteria: Invitae Variant Classification Sherloc (09022015). Collection method: clinical testing. Allele origin: germline.

Laboratory of Genetics, Children's Clinical University Hospital Latvia
Classification: Likely benign. Last evaluated: 2025-02-16. Review status: criteria provided, single submitter. Criteria: ACMG Guidelines, 2015. Collection method: clinical testing. Allele origin: germline. Affected: yes.

Blueprint Genetics
Classification: Likely benign. Last evaluated: 2024-11-20. Review status: criteria provided, single submitter. Criteria: ACMG Guidelines, 2015. Collection method: clinical testing. Allele origin: germline.

GeneDx
Classification: Likely benign. Last evaluated: 2021-03-17. Review status: criteria provided, single submitter. Criteria: GeneDx Variant Classification Process June 2021. Collection method: clinical testing. Allele origin: germline. Affected: yes.

Illumina Laboratory Services, Illumina
Classification: Uncertain significance for Fibrochondrogenesis 2. Last evaluated: 2018-01-13. Review status: criteria provided, single submitter. Criteria: ICSL Variant Classification Criteria 13 December 2019. Collection method: clinical testing. Allele origin: germline.

Illumina Laboratory Services, Illumina
Classification: Uncertain significance for Otospondylomegaepiphyseal dysplasia, autosomal recessive. Last evaluated: 2018-01-13. Review status: criteria provided, single submitter. Criteria: ICSL Variant Classification Criteria 13 December 2019. Collection method: clinical testing. Allele origin: germline.

Laboratory for Molecular Medicine, Mass General Brigham Personalized Medicine
Classification: Likely benign. Last evaluated: 2016-11-08. Review status: criteria provided, single submitter. Criteria: LMM Criteria. Collection method: clinical testing. Allele origin: germline. Observed: 2 variant alleles.
Comment: p.Thr1561Thr in exon 63 of COL11A2: This variant is not expected to have clinica l significance because it does not alter an amino acid residue, is not located w ithin the splice consensus sequence, and has been identified in 0.2% (101/66526) of European chromosomes by the Exome Aggregation Consortium (ExAC.; dbSNP rs34055850).

PreventionGenetics, part of Exact Sciences
Classification: Likely benign. Review status: criteria provided, single submitter. Criteria: ACMG Guidelines, 2015. Collection method: clinical testing. Allele origin: germline.

Clinical Genetics DNA and cytogenetics Diagnostics Lab, Erasmus MC, Erasmus Medical Center
Classification: Likely benign. Review status: no assertion criteria provided. Collection method: clinical testing. Allele origin: germline. Affected: yes. Study: VKGL Data-share Consensus. Not counted in ClinVar's aggregate classification.

Joint Genome Diagnostic Labs from Nijmegen and Maastricht, Radboudumc and MUMC+
Classification: Likely benign. Review status: no assertion criteria provided. Collection method: clinical testing. Allele origin: germline. Affected: yes. Study: VKGL Data-share Consensus. Not counted in ClinVar's aggregate classification.

NM_080680.3(COL11A2):c.4683A>G (p.Thr1561=)

Gene: COL11A2 (collagen type XI alpha 2 chain; minus strand). Cytogenetic location: 6p21.32.
Variant type: single nucleotide variant.
Coding change: c.4683A>G on transcript NM_080680.3 (MANE Select); coding-DNA position 4683, A replaced by G.
Protein change: p.Thr1561=; no amino-acid change (threonine 1561 retained).
Molecular consequence: synonymous variant.
Genome position (GRCh38, 1-based): chr6:33,165,616, T>C on the plus strand (A>G on the coding strand, the complement: COL11A2 is on the minus strand). VCF-style: chr6-33165616-T-C. GRCh37 (hg19) VCF-style: chr6-33133393-T-C.
Other names: c.4362A>G, p.Thr1454= (NM_080679.3); c.4425A>G, p.Thr1475= (NM_080681.3).
Identifiers: ClinVar variation 162976 (VCV000162976.58), dbSNP rs34055850, ClinGen allele CA175557.